The following is an entry in ClinVar:

ClinVar aggregate classification (germline): Uncertain significance (1 of 4 stars; one submission).

Conditions:
Hereditary cancer-predisposing syndrome. Also called: Tumor predisposition; Hereditary Cancer Syndrome; Neoplastic Syndromes, Hereditary; Hereditary neoplastic syndrome. Identifiers: Orphanet 140162, MedGen C0027672, MeSH D009386, MONDO:0015356.

Submission:

Ambry Genetics
Classification: Uncertain significance for Hereditary cancer-predisposing syndrome. Last evaluated: 2019-11-08. Review status: criteria provided, single submitter. Criteria: Ambry Variant Classification Scheme 2023. Collection method: clinical testing. Allele origin: germline.
Comment: The p.S2976T variant (also known as c.8927G>C), located in coding exon 21 of the BRCA2 gene, results from a G to C substitution at nucleotide position 8927. The serine at codon 2976 is replaced by threonine, an amino acid with similar properties. This amino acid position is poorly conserved in available vertebrate species. In addition, this alteration is predicted to be tolerated by in silico analysis. Since supporting evidence is limited at this time, the clinical significance of this alteration remains unclear.

NM_000059.4(BRCA2):c.8927G>C (p.Ser2976Thr)

Gene: BRCA2 (BRCA2 DNA repair associated; plus strand). Cytogenetic location: 13q13.1.
Variant type: single nucleotide variant.
Coding change: c.8927G>C on transcript NM_000059.4 (MANE Select); coding-DNA position 8927, G replaced by C.
Protein change: p.Ser2976Thr; replaces serine 2976 with threonine.
Molecular consequence: missense variant.
Genome position (GRCh38, 1-based): chr13:32,379,489, G>C. VCF-style: chr13-32379489-G-C. GRCh37 (hg19) VCF-style: chr13-32953626-G-C.
Other names: short protein forms S2976T.
Identifiers: ClinVar variation 822824 (VCV000822824.4), dbSNP rs1593936936, ClinGen allele CA387757296.
Genomic context (GRCh38, chr13:32,379,489, plus strand): 5'-AACAAAAGGAACAAGGTTTATCAAGGGATGTCACAACCGTGTGGAAGTTGCGTATTGTAA[G>C]CTATTCAAAAAAAGAAAAAGATTCAGGTAAGTATGTAAATGCTTTGTTTTTATCAGTTTT-3'
Protein context (NP_000050.3, residues 2966-2986): VTTVWKLRIV[Ser2976Thr]YSKKEKDSVI